The following continues an entry in ClinVar:

NM_000059.4(BRCA2):c.755_758del (p.Asp252fs)

Gene: BRCA2. ClinVar aggregate classification (germline): Pathogenic. Pathogenic (1).

Submissions 10 to 21 of 32:

Department of Clinical Genetics, Copenhagen University Hospital, Rigshospitalet
Classification: Pathogenic for Breast-ovarian cancer, familial, susceptibility to, 2. Last evaluated: 2024-05-27. Review status: criteria provided, single submitter. Criteria: ACMG Guidelines, 2015. Collection method: clinical testing. Allele origin: germline. Affected: yes. Not counted in ClinVar's aggregate classification.
Comment: PVS1; PM5_PTC_Strong

All of Us Research Program, National Institutes of Health
Classification: Pathogenic for BRCA2-related cancer predisposition. Last evaluated: 2024-03-25. Review status: criteria provided, single submitter. Criteria: ACMG Guidelines, 2015. Collection method: clinical testing. Allele origin: germline. Inheritance: Autosomal dominant inheritance. Observed: 2 variant alleles, 2 heterozygotes. Not counted in ClinVar's aggregate classification.
Comment: This variant deletes 4 nucleotides in exon 9 of the BRCA2 gene, creating a frameshift and premature translation stop signal. This variant is also known as c.754_757delGACA, 982del4 and 983del4 in the literature. RNA analysis on carrier-derived lymphoblastoid cell lines indicates that the variant transcript is degraded by nonsense-mediated decay (PMID: 16170354). This variant has been reported in over 20 individuals and families affected with breast and ovarian cancer worldwide (PMID: 8589730, 9042907, 10359546, 12698193, 17636422, 18489799, 20104584, 22762150, 23569316, 26852015, 28205045, 29566657, 30287823, 33471991; Leiden Open Variation Database DB-ID BRCA2_002182) and individuals affected with prostate cancer (PMID: 23569316, 26556299) and childhood-onset leukemia (PMID: 16931905). Haplotype analysis on carrier families of European ancestry suggests a common origin (PMID: 9585613). This variant has been identified in 3/250934 chromosomes in the general population by the Genome Aggregation Database (gnomAD). Loss of BRCA2 function is a known mechanism of disease. Based on the available evidence, this variant is classified as Pathogenic.

This study involves interpretation of variants in research participants for the purpose of population health screening. Participant phenotype was not available at the time of variant classification. Additional details can be found in publication PMID: 35346344, PMCID: PMC8962531

Revvity Omics, Revvity
Classification: Pathogenic. Last evaluated: 2024-03-20. Review status: criteria provided, single submitter. Criteria: ACMG Guidelines, 2015. Collection method: clinical testing. Allele origin: germline. Not counted in ClinVar's aggregate classification.

Baylor Genetics
Classification: Pathogenic for Familial cancer of breast. Last evaluated: 2024-02-03. Review status: criteria provided, single submitter. Criteria: ACMG Guidelines, 2015. Collection method: clinical testing. Allele origin: unknown. Not counted in ClinVar's aggregate classification.

Color Diagnostics, LLC DBA Color Health
Classification: Pathogenic for Hereditary cancer-predisposing syndrome. Last evaluated: 2023-12-11. Review status: criteria provided, single submitter. Criteria: ACMG Guidelines, 2015. Collection method: clinical testing. Allele origin: germline. Not counted in ClinVar's aggregate classification.
Comment: This variant deletes 4 nucleotides in exon 9 of the BRCA2 gene, creating a frameshift and premature translation stop signal. This variant is also known as c.754_757delGACA, 982del4 and 983del4 in the literature. RNA analysis on carrier-derived lymphoblastoid cell lines indicates that the variant transcript is degraded by nonsense-mediated decay (PMID: 16170354). This variant has been reported in over 20 individuals and families affected with breast and ovarian cancer worldwide (PMID: 8589730, 9042907, 10359546, 12698193, 17636422, 18489799, 20104584, 22762150, 23569316, 26852015, 28205045, 29566657, 30287823, 33471991; Leiden Open Variation Database DB-ID BRCA2_002182) and individuals affected with prostate cancer (PMID: 23569316, 26556299) and childhood-onset leukemia (PMID: 16931905). Haplotype analysis on carrier families of European ancestry suggests a common origin (PMID: 9585613). This variant has been identified in 3/250934 chromosomes in the general population by the Genome Aggregation Database (gnomAD). Loss of BRCA2 function is a known mechanism of disease. Based on the available evidence, this variant is classified as Pathogenic.

GeneDx
Classification: Pathogenic. Last evaluated: 2023-06-02. Review status: criteria provided, single submitter. Criteria: GeneDx Variant Classification Process June 2021. Collection method: clinical testing. Allele origin: germline. Affected: yes. Not counted in ClinVar's aggregate classification.
Comment: Observed in several individuals with BRCA2-related cancer (Tavtigian et al., 1996, Evans et al., 2008, Borg et al., 2010, Kang et al., 2015, Cao et al., 2016, Yang et al., 2017; Hu et al., 2018; Lerner-Ellis et al., 2021; Frugtniet et al., 2022); Frameshift variant predicted to result in protein truncation or nonsense mediated decay in a gene for which loss-of-function is a known mechanism of disease; Not observed at significant frequency in large population cohorts (gnomAD); Truncating variants in this gene are considered pathogenic by a well-established clinical consortium and/or database; Also known as 982_986del; This variant is associated with the following publications: (PMID: 25863477, 19620486, 21913181, 29566657, 30274973, 28888541, 20104584, 8589730, 17636422, 18489799, 23569316, 26852015, 24549055, 27485037, 20167696, 28205045, 28111427, 28152038, 28664506, 22762150, 21570850, 26295337, 9667259, 15131399, 25673166, 16832351, 26556299, 28724667, 30720243, 30014164, 31174498, 30309722, 31090900, 31263054, 31447099, 34399810, 32341426, 31825140, 32918181, 30787465, 31742824, 33087929, 32853339, 31892343, 33037428, 34356066, 34657373, 32885271, 29922827, 29176636)

Quest Diagnostics Nichols Institute San Juan Capistrano
Classification: Pathogenic. Last evaluated: 2023-05-12. Review status: criteria provided, single submitter. Criteria: Quest Diagnostics criteria. Collection method: clinical testing. Allele origin: unknown. Not counted in ClinVar's aggregate classification.
Comment: This frameshift variant alters the translational reading frame of the BRCA2 mRNA and causes the premature termination of BRCA2 protein synthesis. The frequency of this variant in the general population, 0.000012 (3/250934 chromosomes), is consistent with pathogenicity. In the published literature, the variant has been reported in several affected individuals and families with breast and/or ovarian cancer (PMIDs: 20104584 (2010), 21570850 (2011), 24549055 (2014), 25863477 (2015), 26852015 (2016), 28205045 (2017), 29566657 (2018), 35918668 (2022)) as well as in men affected with prostate cancer (PMIDs: 23569316 (2013), 32853339 (2021)). Based on the available information, this variant is classified as pathogenic.

CHEO Genetics Diagnostic Laboratory, Children's Hospital of Eastern Ontario
Classification: Pathogenic for Breast and/or ovarian cancer. Last evaluated: 2023-04-28. Review status: criteria provided, single submitter. Criteria: ACMG Guidelines, 2015. Collection method: clinical testing. Allele origin: germline. Study: Canadian Open Genetics Repository. Not counted in ClinVar's aggregate classification.

Sema4
Classification: Pathogenic for Hereditary cancer-predisposing syndrome. Last evaluated: 2021-01-07. Review status: criteria provided, single submitter. Criteria: Sema4 Curation Guidelines. Collection method: curation. Allele origin: germline. Not counted in ClinVar's aggregate classification.
Comment: The BRCA2 c.755_758delACAG p.D252VfsX24 variant has been reported in heterozygosity in at least 4 individuals with Breast, Prostate, and Pancreatic Ductal Adenocarcinoma (PMIDs: 8589730, 26556299, 30014164, 30274973). This variant causes a frameshift at amino acid 252 that results in premature termination 24 amino acids downstream. At this location, this is predicted to cause nonsense-mediated decay and result in an absent protein (loss of function). Loss of function variants in BRCA2 are known to be pathogenic (PMID: 29446198). This variant was observed in 1/18384 chromosomes in the East Asian population according to the Genome Aggregation Database (PMID: 32461654). Based on the current evidence available, this variant is interpreted as pathogenic.

Laboratory for Molecular Medicine, Mass General Brigham Personalized Medicine
Classification: Pathogenic for Hereditary breast ovarian cancer syndrome. Last evaluated: 2019-10-14. Review status: criteria provided, single submitter. Criteria: ACMG Guidelines, 2015. Collection method: clinical testing. Allele origin: germline. Not counted in ClinVar's aggregate classification.
Comment: The p.Asp252ValfsX24 variant in BRCA2 has been reported in >60 individuals with BRCA2-related cancers and segregated with disease in at least 10 affected members of one family (Tavitigian 1996, Schrader 2016, Park 2017a, Park 2017b, Wang 2018, BIC database). Additionally, it was classified as Pathogenic on Apr. 22, 2016 by the ClinGen-approved ENIGMA expert panel (ClinVar Variation ID: 38103). This variant has also been identified in 0.005% (1/18384) of East Asian chromosomes by gnomAD; however, this frequency is low enough to be consistent with the frequency of hereditary breast and ovarian cancer (HBOC) in the general population. This variant is predicted to cause a frameshift, which alters the protein’s amino acid sequence beginning at position 252 and leads to a premature termination codon 24 amino acids downstream. This alteration is then predicted to lead to a truncated or absent protein. Loss of function of the BRCA2 gene is an established disease mechanism in autosomal dominant hereditary breast and ovarian cancer syndrome (HBOC). In summary, this variant meets criteria to be classified as pathogenic for autosomal dominant HBOC. ACMG/AMP Criteria applied: PVS1, PS4, PP1_Strong, PM2_Supporting.

Human Genome Sequencing Center Clinical Lab, Baylor College of Medicine
Classification: Pathogenic for hereditary breast and ovarian cancer syndrome. Last evaluated: 2018-08-13. Review status: criteria provided, single submitter. Criteria: ACMG Guidelines, 2015. Collection method: clinical testing. Allele origin: unknown. Not counted in ClinVar's aggregate classification.
Comment: The c.755_758del (p.Asp252Valfs*24) variant in the BRCA2 gene is located on the exon 9 and is predicted to cause shift of reading frame that introduces a premature translation termination codon (p.Asp252Valfs*24), resulting in an absent or disrupted protein product. The variant has been reported in multiple individuals with breast/ovarian/pancreatic cancer (PMID: 36980738, 33113089, 37024097, 24549055, 18489799, 26687385). Loss-of-function variants of BRCA2 are known to be pathogenic (PMID: 8988179, 11897832, 29446198). The variant is reported in ClinVar as pathogenic (ID: 38103) and reviewed by the expert panel. The variant is rare in the general population according to gnomAD (3/250934). Therefore, the c.755_758del (p.Asp252Valfs*24) variant of BRCA2 has been classified as pathogenic.

Department of Pathology and Molecular Medicine, Queen's University
Classification: Pathogenic for Hereditary breast ovarian cancer syndrome. Last evaluated: 2017-04-20. Review status: criteria provided, single submitter. Criteria: ACMG Guidelines, 2015. Collection method: clinical testing. Allele origin: germline. Study: The Canadian Open Genetics Repository (COGR). Not counted in ClinVar's aggregate classification.